The following is an entry in ClinVar:

ClinVar aggregate classification (germline): Uncertain significance (1 of 4 stars; one submission).

Conditions:
Intellectual developmental disorder, X-linked, syndromic, Raymond type. Also called: Syndromic X-linked intellectual disability Raymond type. Identifiers: MedGen C3275406, MONDO:0010427, OMIM 300799.

Submission:

Baylor Genetics
Classification: Uncertain significance for Intellectual developmental disorder, X-linked, syndromic, Raymond type. Last evaluated: 2020-02-10. Review status: criteria provided, single submitter. Criteria: ACMG Guidelines, 2015. Collection method: clinical testing. Allele origin: unknown. Affected: yes.
Comment: This variant was determined to be of uncertain significance according to ACMG Guidelines, 2015 [PMID:25741868].

NM_016032.4(ZDHHC9):c.421T>C (p.Cys141Arg)

Gene: ZDHHC9 (zDHHC palmitoyltransferase 9; minus strand). Cytogenetic location: Xq26.1.
Variant type: single nucleotide variant.
Coding change: c.421T>C on transcript NM_016032.4 (MANE Select); coding-DNA position 421, T replaced by C.
Protein change: p.Cys141Arg; replaces cysteine 141 with arginine.
Molecular consequence: missense variant.
Genome position (GRCh38, 1-based): chrX:129,823,745, A>G on the plus strand (T>C on the coding strand, the complement: ZDHHC9 is on the minus strand). VCF-style: chrX-129823745-A-G. GRCh37 (hg19) VCF-style: chrX-128957721-A-G.
Other names: c.421T>C, p.Cys141Arg (NM_001008222.3); short protein forms C141R.
Identifiers: ClinVar variation 1029571 (VCV001029571.1), dbSNP rs1927945327, ClinGen allele CA414590469.